The following is an entry in ClinVar:

ClinVar aggregate classification (germline): Conflicting classifications of pathogenicity. Review status: criteria provided, conflicting classifications (1 of 4 stars). 4 submissions from 4 submitters: Uncertain significance (3); Likely benign (1). Last evaluated 2023-11-02.

Conditions:
Hereditary cancer-predisposing syndrome. Also called: Hereditary neoplastic syndrome; Tumor predisposition; Neoplastic Syndromes, Hereditary; Hereditary Cancer Syndrome. Identifiers: Orphanet 140162, MedGen C0027672, MeSH D009386, MONDO:0015356.
Hereditary breast ovarian cancer syndrome. Also called: Hereditary breast and ovarian cancer; Hereditary breast and/or ovarian cancer syndrome; Hereditary breast and ovarian cancer syndrome; Hereditary breast and ovarian cancer syndrome (HBOC); Breast and ovarian cancer; BRCA1- and BRCA2-Associated Hereditary Breast and Ovarian Cancer. Identifiers: Orphanet 145, MedGen C0677776, MeSH D061325, MONDO:0003582. Disease mechanism: loss of function.

Submissions (4):

Women's Health and Genetics/Laboratory Corporation of America, LabCorp
Classification: Uncertain significance. Last evaluated: 2023-11-02. Review status: criteria provided, single submitter. Criteria: LabCorp Variant Classification Summary - May 2015. Collection method: clinical testing. Allele origin: germline.

University of Washington Department of Laboratory Medicine, University of Washington
Classification: Likely benign for Hereditary cancer-predisposing syndrome. Last evaluated: 2023-03-23. Review status: criteria provided, single submitter. Criteria: Dines et al. (Genet Med. 2020). Collection method: curation. Allele origin: germline.
Comment: Missense variant in a coldspot region where missense variants are very unlikely to be pathogenic (PMID:31911673).

BRCA2 exon 11 coldspot. Reclassification based on statistical prior probability.

Labcorp Genetics (formerly Invitae), Labcorp
Classification: Uncertain significance for Hereditary breast ovarian cancer syndrome. Last evaluated: 2019-08-14. Review status: criteria provided, single submitter. Criteria: Invitae Variant Classification Sherloc (09022015). Collection method: clinical testing. Allele origin: germline.
Comment: This sequence change replaces valine with alanine at codon 778 of the BRCA2 protein (p.Val778Ala). The valine residue is weakly conserved and there is a small physicochemical difference between valine and alanine. This variant is not present in population databases (ExAC no frequency). This variant has not been reported in the literature in individuals with BRCA2-related conditions. ClinVar contains an entry for this variant (Variation ID: 419186). Algorithms developed to predict the effect of missense changes on protein structure and function (SIFT, PolyPhen-2, Align-GVGD) all suggest that this variant is likely to be tolerated, but these predictions have not been confirmed by published functional studies and their clinical significance is uncertain. In summary, the available evidence is currently insufficient to determine the role of this variant in disease. Therefore, it has been classified as a Variant of Uncertain Significance.

GeneDx
Classification: Uncertain significance. Last evaluated: 2015-06-03. Review status: criteria provided, single submitter. Criteria: GeneDx Variant Classification (06012015). Collection method: clinical testing. Allele origin: germline. Affected: yes.
Comment: This variant is denoted BRCA2 c.2333T>C at the cDNA level, p.Val778Ala (V778A) at the protein level, and results in the change of a Valine to an Alanine (GTT>GCT). Using alternate nomenclature, this variant would be defined as BRCA2 2561T>C. This variant has not, to our knowledge, been published in the literature as pathogenic or benign. BRCA2 Val778Ala was not observed in approximately 6,500 individuals of European and African American ancestry in the NHLBI Exome Sequencing Project, indicating it is not a common benign variant in these populations. Since Valine and Alanine share similar properties, this is considered a conservative amino acid substitution. BRCA2 Val778Ala occurs at a position that is not conserved and is located within the region interaction with NPM1 (UniProt). In silico analyses predict that this variant is unlikely to alter protein structure or function. Based on currently available information, it is unclear whether BRCA2 Val778Ala is pathogenic or benign. We consider it to be a variant of uncertain significance.

NM_000059.4(BRCA2):c.2333T>C (p.Val778Ala)

Gene: BRCA2 (BRCA2 DNA repair associated; plus strand). Cytogenetic location: 13q13.1.
Variant type: single nucleotide variant.
Coding change: c.2333T>C on transcript NM_000059.4 (MANE Select); coding-DNA position 2333, T replaced by C.
Protein change: p.Val778Ala; replaces valine 778 with alanine.
Molecular consequence: missense variant.
Genome position (GRCh38, 1-based): chr13:32,336,688, T>C. VCF-style: chr13-32336688-T-C. GRCh37 (hg19) VCF-style: chr13-32910825-T-C.
Other names: short protein forms V778A.
Identifiers: ClinVar variation 419186 (VCV000419186.14), dbSNP rs1064793704, ClinGen allele CA16619670.